The following is an entry in ClinVar:

NM_000742.4(CHRNA2):c.503C>T (p.Thr168Met)

Gene: CHRNA2 (cholinergic receptor nicotinic alpha 2 subunit; minus strand). Cytogenetic location: 8p21.2.
Variant type: single nucleotide variant.
Coding change: c.503C>T on transcript NM_000742.4 (MANE Select); coding-DNA position 503, C replaced by T.
Protein change: p.Thr168Met; replaces threonine 168 with methionine.
Molecular consequence: missense variant. On other transcripts: intron variant (2).
Genome position (GRCh38, 1-based): chr8:27,463,940, G>A on the plus strand (C>T on the coding strand, the complement: CHRNA2 is on the minus strand). VCF-style: chr8-27463940-G-A. GRCh37 (hg19) VCF-style: chr8-27321457-G-A.
Other names: p.T168M:ACG>ATG; c.458C>T, p.Thr153Met (NM_001282455.2); c.26C>T, p.Thr9Met (NM_001347705.2, NM_001347706.2); c.-12-80C>T (NM_001347708.2); c.-9-83C>T (NM_001347707.2); short protein forms T168M, T153M, T9M.
Identifiers: ClinVar variation 204959 (VCV000204959.15), dbSNP rs766076722, ClinGen allele CA313440.

ClinVar aggregate classification (germline): Conflicting classifications of pathogenicity. Review status: criteria provided, conflicting classifications (1 of 4 stars). 5 submissions from 5 submitters: Uncertain significance (4); Likely benign (1). Last evaluated 2024-06-11.

Conditions:
Familial sleep-related hypermotor epilepsy. Also called: Autosomal Dominant Sleep-Related Hypermotor (Hyperkinetic) Epilepsy. Identifiers: Orphanet 98784, MedGen C3696898, MONDO:0000030.
Inborn genetic diseases. Identifiers: MedGen C0950123, MeSH D030342.
Autosomal dominant nocturnal frontal lobe epilepsy 4. Also called: EPILEPSY, FAMILIAL, WITH NOCTURNAL WANDERING AND ICTAL FEAR; CHRNA2-Related Nocturnal Frontal Lobe Epilepsy, Autosomal Dominant. Identifiers: Orphanet 98784, MedGen C1835905, MONDO:0012474, OMIM 610353.

Allele frequency attached by ClinVar (database versions not stated): ExAC 0.00001; gnomAD 0.00001; gnomAD exomes 0.00001 and 0.00002; TOPMed 0.00003.

Submissions (5):

Women's Health and Genetics/Laboratory Corporation of America, LabCorp
Classification: Uncertain significance. Last evaluated: 2024-06-11. Review status: criteria provided, single submitter. Criteria: LabCorp Variant Classification Summary - May 2015. Collection method: clinical testing. Allele origin: germline.
Comment: Variant summary: CHRNA2 c.503C>T (p.Thr168Met) results in a non-conservative amino acid change located in the Neurotransmitter-gated ion-channel ligand-binding domain (IPR006202) of the encoded protein sequence. Five of five in-silico tools predict a damaging effect of the variant on protein function. The variant allele was found at a frequency of 2.4e-05 in 251444 control chromosomes. The available data on variant occurrences in the general population are insufficient to allow any conclusion about variant significance. To our knowledge, no occurrence of c.503C>T in individuals affected with Autosomal Dominant Nocturnal Frontal Lobe Epilepsy 4 and no experimental evidence demonstrating its impact on protein function have been reported. ClinVar contains an entry for this variant (Variation ID: 204959). Based on the evidence outlined above, the variant was classified as uncertain significance.

Labcorp Genetics (formerly Invitae), Labcorp
Classification: Uncertain significance. Last evaluated: 2024-02-24. Review status: criteria provided, single submitter. Criteria: Invitae Variant Classification Sherloc (09022015). Collection method: clinical testing. Allele origin: germline.
Comment: This sequence change replaces threonine, which is neutral and polar, with methionine, which is neutral and non-polar, at codon 168 of the CHRNA2 protein (p.Thr168Met). This variant is present in population databases (rs766076722, gnomAD 0.01%). This variant has not been reported in the literature in individuals affected with CHRNA2-related conditions. ClinVar contains an entry for this variant (Variation ID: 204959). Advanced modeling of protein sequence and biophysical properties (such as structural, functional, and spatial information, amino acid conservation, physicochemical variation, residue mobility, and thermodynamic stability) performed at Invitae indicates that this missense variant is expected to disrupt CHRNA2 protein function with a positive predictive value of 80%. In summary, the available evidence is currently insufficient to determine the role of this variant in disease. Therefore, it has been classified as a Variant of Uncertain Significance.

Revvity Omics, Revvity
Classification: Uncertain significance for Autosomal dominant nocturnal frontal lobe epilepsy 4. Last evaluated: 2023-03-22. Review status: criteria provided, single submitter. Criteria: ACMG Guidelines, 2015. Collection method: clinical testing. Allele origin: germline.

GeneDx
Classification: Uncertain significance. Last evaluated: 2022-02-25. Review status: criteria provided, single submitter. Criteria: GeneDx Variant Classification Process June 2021. Collection method: clinical testing. Allele origin: germline. Affected: yes.
Comment: In silico analysis supports that this missense variant has a deleterious effect on protein structure/function; Has not been previously published as pathogenic or benign to our knowledge; This variant is associated with the following publications: (PMID: Campbell2015[Thesis])

Ambry Genetics
Classification: Likely benign for Inborn genetic diseases. Last evaluated: 2021-07-14. Review status: criteria provided, single submitter. Criteria: Ambry Variant Classification Scheme 2023. Collection method: clinical testing. Allele origin: germline.